The following is an entry in ClinVar:

NM_004655.4(AXIN2):c.1544A>C (p.His515Pro)

Gene: AXIN2 (axin 2; minus strand). Cytogenetic location: 17q24.1.
Variant type: single nucleotide variant.
Coding change: c.1544A>C on transcript NM_004655.4 (MANE Select); coding-DNA position 1544, A replaced by C.
Protein change: p.His515Pro; replaces histidine 515 with proline.
Molecular consequence: missense variant.
Genome position (GRCh38, 1-based): chr17:65,537,492, T>G on the plus strand (A>C on the coding strand, the complement: AXIN2 is on the minus strand). VCF-style: chr17-65537492-T-G. GRCh37 (hg19) VCF-style: chr17-63533610-T-G.
Other names: c.1544A>C, p.His515Pro (NM_001363813.1); short protein forms H515P.
Identifiers: ClinVar variation 1039487 (VCV001039487.8), dbSNP rs2043950108, ClinGen allele CA400677295.

ClinVar aggregate classification (germline): Uncertain significance (1 of 4 stars; one submission).

Conditions:
Oligodontia-cancer predisposition syndrome. Also called: TOOTH AGENESIS-COLORECTAL CANCER SYNDROME. Identifiers: Orphanet 300576, MedGen C1837750, MONDO:0012075, OMIM 608615. Disease mechanism: loss of function.

Submission:

Labcorp Genetics (formerly Invitae), Labcorp
Classification: Uncertain significance for Oligodontia-cancer predisposition syndrome. Last evaluated: 2024-07-21. Review status: criteria provided, single submitter. Criteria: Invitae Variant Classification Sherloc (09022015). Collection method: clinical testing. Allele origin: germline.
Comment: This sequence change replaces histidine, which is basic and polar, with proline, which is neutral and non-polar, at codon 515 of the AXIN2 protein (p.His515Pro). This variant is not present in population databases (gnomAD no frequency). This variant has not been reported in the literature in individuals affected with AXIN2-related conditions. ClinVar contains an entry for this variant (Variation ID: 1039487). Advanced modeling of protein sequence and biophysical properties (such as structural, functional, and spatial information, amino acid conservation, physicochemical variation, residue mobility, and thermodynamic stability) performed at Invitae indicates that this missense variant is not expected to disrupt AXIN2 protein function with a negative predictive value of 80%. In summary, the available evidence is currently insufficient to determine the role of this variant in disease. Therefore, it has been classified as a Variant of Uncertain Significance.